The following is an entry in ClinVar:

ClinVar aggregate classification (germline): Uncertain significance (1 of 4 stars; one submission).

gnomAD v4.1: 2 of 1,609,136 alleles (0.00012%); highest among the groups gnomAD compares: African/African-American, 0.0027%; no homozygotes.

Submission:

GeneDx
Classification: Uncertain significance. Last evaluated: 2024-11-13. Review status: criteria provided, single submitter. Criteria: GeneDx Variant Classification Process June 2021. Collection method: clinical testing. Allele origin: germline. Affected: yes.
Comment: Not observed at significant frequency in large population cohorts (gnomAD); In silico analysis supports a deleterious effect on splicing; Has not been previously published as pathogenic or benign to our knowledge

NM_007289.4(MME):c.1593C>T (p.Asp531=)

Gene: MME (membrane metalloendopeptidase; plus strand). Cytogenetic location: 3q25.2.
Variant type: single nucleotide variant.
Coding change: c.1593C>T on transcript NM_007289.4 (MANE Select); coding-DNA position 1593, C replaced by T.
Protein change: p.Asp531=; no amino-acid change (aspartic acid 531 retained).
Molecular consequence: synonymous variant.
Genome position (GRCh38, 1-based): chr3:155,148,645, C>T. VCF-style: chr3-155148645-C-T. GRCh37 (hg19) VCF-style: chr3-154866434-C-T.
Other names: c.1593C>T, p.Asp531= (NM_000902.5, NM_001354642.2, NM_001354643.1 and 2 more transcripts).
Identifiers: ClinVar variation 3899541 (VCV003899541.1).